The following is an entry in ClinVar:

NM_019892.6(INPP5E):c.1160-7C>G

Gene: INPP5E (inositol polyphosphate-5-phosphatase E; minus strand). Cytogenetic location: 9q34.3.
Variant type: single nucleotide variant.
Coding change: c.1160-7C>G on transcript NM_019892.6 (MANE Select); 7 bases into the intron before coding-DNA position 1160, C replaced by G.
Molecular consequence: intron variant.
Genome position (GRCh38, 1-based): chr9:136,433,082, G>C on the plus strand (C>G on the coding strand, the complement: INPP5E is on the minus strand). VCF-style: chr9-136433082-G-C. GRCh37 (hg19) VCF-style: chr9-139327534-G-C.
Other names: c.1160-7C>G (NM_001318502.2).
Identifiers: ClinVar variation 3034937 (VCV003034937.2), dbSNP rs774243606, ClinGen allele CA5336894.

ClinVar aggregate classification (germline): Likely benign (0 of 4 stars; one submission).

Conditions:
INPP5E-related disorder. Also called: INPP5E-related condition.

Allele frequency attached by ClinVar (database versions not stated): gnomAD exomes below 0.00001; ExAC 0.00001; TOPMed 0.00003; gnomAD 0.00004.
gnomAD v4.1: 8 of 1,609,302 alleles (0.0005%); highest among the groups gnomAD compares: African/African-American, 0.011%; no homozygotes.

Submission:

PreventionGenetics, part of Exact Sciences
Classification: Likely benign for INPP5E-related condition. Last evaluated: 2021-08-19. Review status: no assertion criteria provided. Collection method: clinical testing. Allele origin: germline.
Comment: This variant is classified as likely benign based on ACMG/AMP sequence variant interpretation guidelines (Richards et al. 2015 PMID: 25741868, with internal and published modifications).